The following is an entry in ClinVar:

NM_001376.5(DYNC1H1):c.1851G>T (p.Glu617Asp)

Gene: DYNC1H1 (dynein cytoplasmic 1 heavy chain 1; plus strand). Cytogenetic location: 14q32.31.
Variant type: single nucleotide variant.
Coding change: c.1851G>T on transcript NM_001376.5 (MANE Select); coding-DNA position 1851, G replaced by T.
Protein change: p.Glu617Asp; replaces glutamic acid 617 with aspartic acid.
Molecular consequence: missense variant.
Genome position (GRCh38, 1-based): chr14:101,986,076, G>T. VCF-style: chr14-101986076-G-T. GRCh37 (hg19) VCF-style: chr14-102452413-G-T.
Other names: short protein forms E617D.
Identifiers: ClinVar variation 3362088 (VCV003362088.1).

ClinVar aggregate classification (germline): Uncertain significance (1 of 4 stars; one submission).

Submission:

GeneDx
Classification: Uncertain significance. Last evaluated: 2023-05-25. Review status: criteria provided, single submitter. Criteria: GeneDx Variant Classification Process June 2021. Collection method: clinical testing. Allele origin: germline. Affected: yes.
Comment: Not observed at significant frequency in large population cohorts (gnomAD); In silico analysis supports that this missense variant does not alter protein structure/function; Has not been previously published as pathogenic or benign to our knowledge; This variant is associated with the following publications: (PMID: 26100331, 25512093, 25609763)